The following is an entry in ClinVar:

ClinVar aggregate classification (germline): Likely pathogenic (1 of 4 stars; one submission).

Conditions:
Infantile-onset ascending hereditary spastic paralysis (IAHSP). Also called: Infantile-Onset Ascending Hereditary Spastic Paralysis (IAHSP); Autosomal Recessive Juvenile Amyotrophic Lateral Sclerosis. Identifiers: Orphanet 293168, MedGen C2931441, MONDO:0011797, OMIM 607225. Disease mechanism: loss of function.

Submission:

Labcorp Genetics (formerly Invitae), Labcorp
Classification: Likely pathogenic for Infantile-onset ascending hereditary spastic paralysis. Last evaluated: 2022-12-03. Review status: criteria provided, single submitter. Criteria: Invitae Variant Classification Sherloc (09022015). Collection method: clinical testing. Allele origin: germline.
Comment: Algorithms developed to predict the effect of sequence changes on RNA splicing suggest that this variant may disrupt the consensus splice site. In summary, the currently available evidence indicates that the variant is pathogenic, but additional data are needed to prove that conclusively. Therefore, this variant has been classified as Likely Pathogenic. This variant has not been reported in the literature in individuals affected with ALS2-related conditions. This sequence change affects a donor splice site in intron 19 of the ALS2 gene. It is expected to disrupt RNA splicing. Variants that disrupt the donor or acceptor splice site typically lead to a loss of protein function (PMID: 16199547), and loss-of-function variants in ALS2 are known to be pathogenic (PMID: 11586298, 24315819). This variant is not present in population databases (gnomAD no frequency).

Literature cited by the submitters: PubMed 16199547; PubMed 11586298; PubMed 24315819.

NM_020919.4(ALS2):c.3248+1G>C

Gene: ALS2 (alsin Rho guanine nucleotide exchange factor ALS2; minus strand). Cytogenetic location: 2q33.1.
Variant type: single nucleotide variant.
Coding change: c.3248+1G>C on transcript NM_020919.4 (MANE Select); the canonical splice donor site of the intron after coding-DNA position 3248, G replaced by C.
Molecular consequence: splice donor variant.
Genome position (GRCh38, 1-based): chr2:201,726,483, C>G on the plus strand (G>C on the coding strand, the complement: ALS2 is on the minus strand). VCF-style: chr2-201726483-C-G. GRCh37 (hg19) VCF-style: chr2-202591206-C-G.
Other names: c.3248+1G>C (NM_001410975.1).
Identifiers: ClinVar variation 2818379 (VCV002818379.3), dbSNP rs2106005949, ClinGen allele CA350320455.